The following is an entry in ClinVar:

ClinVar aggregate classification (germline): Uncertain significance (1 of 4 stars; one submission).

Allele frequency attached by ClinVar (database versions not stated): gnomAD exomes below 0.00001; TOPMed below 0.00001.
gnomAD v4.1: 5 of 1,614,036 alleles (0.00031%); highest among the groups gnomAD compares: Non-Finnish European, 0.00042%; no homozygotes.

Submission:

Labcorp Genetics (formerly Invitae), Labcorp
Classification: Uncertain significance. Last evaluated: 2025-01-13. Review status: criteria provided, single submitter. Criteria: Invitae Variant Classification Sherloc (09022015). Collection method: clinical testing. Allele origin: germline.
Comment: This sequence change replaces isoleucine, which is neutral and non-polar, with valine, which is neutral and non-polar, at codon 331 of the RELA protein (p.Ile331Val). This variant is present in population databases (no rsID available, gnomAD 0.0009%). This variant has not been reported in the literature in individuals affected with RELA-related conditions. ClinVar contains an entry for this variant (Variation ID: 1915152). An algorithm developed to predict the effect of missense changes on protein structure and function (PolyPhen-2) suggests that this variant is likely to be tolerated. In summary, the available evidence is currently insufficient to determine the role of this variant in disease. Therefore, it has been classified as a Variant of Uncertain Significance.

NM_021975.4(RELA):c.991A>G (p.Ile331Val)

Gene: RELA (RELA proto-oncogene, NF-kB subunit; minus strand). Cytogenetic location: 11q13.1.
Variant type: single nucleotide variant.
Coding change: c.991A>G on transcript NM_021975.4 (MANE Select); coding-DNA position 991, A replaced by G.
Protein change: p.Ile331Val; replaces isoleucine 331 with valine.
Molecular consequence: missense variant.
Genome position (GRCh38, 1-based): chr11:65,655,730, T>C on the plus strand (A>G on the coding strand, the complement: RELA is on the minus strand). VCF-style: chr11-65655730-T-C. GRCh37 (hg19) VCF-style: chr11-65423201-T-C.
Other names: c.982A>G, p.Ile328Val (NM_001145138.2); c.991A>G, p.Ile331Val (NM_001243984.2, NM_001243985.2); c.1024A>G, p.Ile342Val (NM_001404657.1); c.964A>G, p.Ile322Val (NM_001404658.1); c.778A>G, p.Ile260Val (NM_001404659.1); c.673A>G, p.Ile225Val (NM_001404660.1); c.610A>G, p.Ile204Val (NM_001404661.1); c.898A>G, p.Ile300Val (NM_001404662.1, NM_001404663.1); short protein forms I300V, I331V, I225V, I322V, I342V, I204V, I328V, I260V.
Identifiers: ClinVar variation 1915152 (VCV001915152.5), dbSNP rs1180352560, ClinGen allele CA381389311.